The following is an entry in ClinVar:

ClinVar aggregate classification (germline): Uncertain significance (1 of 4 stars; one submission).

Submission:

Labcorp Genetics (formerly Invitae), Labcorp
Classification: Uncertain significance. Last evaluated: 2024-11-13. Review status: criteria provided, single submitter. Criteria: Invitae Variant Classification Sherloc (09022015). Collection method: clinical testing. Allele origin: germline.
Comment: This variant, c.362_363ins42, results in the insertion of 14 amino acid(s) of the ARID1B protein (p.Gln118_Gln131dup), but otherwise preserves the integrity of the reading frame. This variant is not present in population databases (gnomAD no frequency). This variant has not been reported in the literature in individuals affected with ARID1B-related conditions. This variant has been observed in at least one individual who was not affected with ARID1B-related conditions (internal data). In summary, the available evidence is currently insufficient to determine the role of this variant in disease. Therefore, it has been classified as a Variant of Uncertain Significance.

NM_001374828.1(ARID1B):c.611_612insGCAGCAACAGCAGCAGCAGCAGCAGCAGCAGCAGCAGCAGCA (p.Gln214_His215insGlnGlnGlnGlnGlnGlnGlnGlnGlnGlnGlnGlnGlnGln)

Genes: ARID1B (AT-rich interaction domain 1B; plus strand), LOC115308161 (uncharacterized LOC115308161; minus strand). Cytogenetic location: 6q25.3.
Variant type: Microsatellite.
Coding change: c.611_612insGCAGCAACAGCAGCAGCAGCAGCAGCAGCAGCAGCAGCAGCA on transcript NM_001374828.1 (MANE Select); coding-DNA positions 611 to 612, GCAGCAACAGCAGCAGCAGCAGCAGCAGCAGCAGCAGCAGCA inserted.
Protein change: p.Gln214_His215insGlnGlnGlnGlnGlnGlnGlnGlnGlnGlnGlnGlnGlnGln.
Molecular consequence: inframe insertion. On other transcripts: non-coding transcript variant (1).
Genome position: GRCh38: chr6:156,778,269-156,778,291. GRCh37 (hg19), VCF-style position (the base before the change): chr6:157,099,402.
Other names: c.611_612insGCAGCAACAGCAGCAGCAGCAGCAGCAGCAGCAGCAGCAGCA, p.Gln214_His215insGlnGlnGlnGlnGlnGlnGlnGlnGlnGlnGlnGlnGlnGln (NM_001371656.1, NM_001374820.1, NM_017519.3).
Identifiers: ClinVar variation 3607845 (VCV003607845.2).